The following is an entry in ClinVar:

ClinVar aggregate classification (germline): Uncertain significance (1 of 4 stars; one submission).

Conditions:
CHARGE syndrome (CHARGE). Also called: CHARGE ASSOCIATION--COLOBOMA, HEART ANOMALY, CHOANAL ATRESIA, RETARDATION, GENITAL AND EAR ANOMALIES; Coloboma, heart anomaly, choanal atresia, retardation, genital and ear anomalies; CHARGE association; Hall-Hittner syndrome; Hittner Hirsch Kreh syndrome. Identifiers: Orphanet 138, MedGen C0265354, MONDO:0008965.

Allele frequency attached by ClinVar (database versions not stated): TOPMed below 0.00001.

Submission:

Labcorp Genetics (formerly Invitae), Labcorp
Classification: Uncertain significance for CHARGE syndrome. Last evaluated: 2022-11-23. Review status: criteria provided, single submitter. Criteria: Invitae Variant Classification Sherloc (09022015). Collection method: clinical testing. Allele origin: germline.
Comment: In summary, the available evidence is currently insufficient to determine the role of this variant in disease. Therefore, it has been classified as a Variant of Uncertain Significance. Advanced modeling of protein sequence and biophysical properties (such as structural, functional, and spatial information, amino acid conservation, physicochemical variation, residue mobility, and thermodynamic stability) has been performed at Invitae for this missense variant, however the output from this modeling did not meet the statistical confidence thresholds required to predict the impact of this variant on CHD7 protein function. ClinVar contains an entry for this variant (Variation ID: 858137). This variant has not been reported in the literature in individuals affected with CHD7-related conditions. This variant is not present in population databases (gnomAD no frequency). This sequence change replaces glutamic acid, which is acidic and polar, with lysine, which is basic and polar, at codon 1009 of the CHD7 protein (p.Glu1009Lys).

NM_017780.4(CHD7):c.3025G>A (p.Glu1009Lys)

Gene: CHD7 (chromodomain helicase DNA binding protein 7; plus strand). Cytogenetic location: 8q12.2.
Variant type: single nucleotide variant.
Coding change: c.3025G>A on transcript NM_017780.4 (MANE Select); coding-DNA position 3025, G replaced by A.
Protein change: p.Glu1009Lys; replaces glutamic acid 1009 with lysine.
Molecular consequence: missense variant. On other transcripts: intron variant (1).
Genome position (GRCh38, 1-based): chr8:60,822,570, G>A. VCF-style: chr8-60822570-G-A. GRCh37 (hg19) VCF-style: chr8-61735129-G-A.
Other names: c.1717-39659G>A (NM_001316690.1); short protein forms E1009K.
Identifiers: ClinVar variation 858137 (VCV000858137.9), dbSNP rs1804094552, ClinGen allele CA371309326.